The following is an entry in ClinVar:

ClinVar aggregate classification (germline): Likely pathogenic (1 of 4 stars; one submission).

Submission:

Mayo Clinic Laboratories, Mayo Clinic
Classification: Likely pathogenic. Last evaluated: 2025-08-27. Review status: criteria provided, single submitter. Criteria: ACMG Guidelines, 2015. Collection method: clinical testing. Allele origin: germline. Observed: 2 variant alleles.
Comment: PM2_supporting, PVS1

NM_001009944.3(PKD1):c.697_700del (p.Gly233fs)

Gene: PKD1 (polycystin 1, transient receptor potential channel interacting; minus strand). Cytogenetic location: 16p13.3.
Variant type: Deletion.
Coding change: c.697_700del on transcript NM_001009944.3 (MANE Select); coding-DNA positions 697 to 700, 4 bases deleted (GGGG; older notation c.697_700delGGGG).
Protein change: p.Gly233fs; shifts the reading frame from glycine 233.
Molecular consequence: frameshift variant.
Genome position (GRCh38, 1-based): chr16:2,118,292-2,118,295, CCCC deleted on the plus strand (GGGG on the coding strand, the reverse complement: PKD1 is on the minus strand). VCF-style (leftmost placement, unchanged base first): chr16-2118291-GCCCC-G. GRCh37 (hg19) VCF-style: chr16-2168292-GCCCC-G.
Other names: p.Gly233Argfs*56; c.697_700del, p.Gly233fs (NM_000296.4); short protein forms G233fs.
Identifiers: ClinVar variation 4542003 (VCV004542003.1).